The following is an entry in ClinVar:

NM_013432.5(TONSL):c.1456G>A (p.Gly486Ser)

Gene: TONSL (tonsoku like, DNA repair protein; minus strand). Cytogenetic location: 8q24.3.
Variant type: single nucleotide variant.
Coding change: c.1456G>A on transcript NM_013432.5 (MANE Select); coding-DNA position 1456, G replaced by A.
Protein change: p.Gly486Ser; replaces glycine 486 with serine.
Molecular consequence: missense variant.
Genome position (GRCh38, 1-based): chr8:144,440,045, C>T on the plus strand (G>A on the coding strand, the complement: TONSL is on the minus strand). VCF-style: chr8-144440045-C-T. GRCh37 (hg19) VCF-style: chr8-145665428-C-T.
Other names: c.1456G>A (NM_013432.4); short protein forms G486S.
Identifiers: ClinVar variation 2177849 (VCV002177849.4), dbSNP rs565607454, ClinGen allele CA4943229.

ClinVar aggregate classification (germline): Conflicting classifications of pathogenicity. Review status: criteria provided, conflicting classifications (1 of 4 stars). 2 submissions from 2 submitters: Uncertain significance (1); Likely benign (1). Last evaluated 2024-11-13.

Conditions:
Inborn genetic diseases. Identifiers: MedGen C0950123, MeSH D030342.

Allele frequency attached by ClinVar (database versions not stated): gnomAD 0.00001; gnomAD exomes 0.00002; TOPMed 0.00002; ExAC 0.00003.
gnomAD v4.1: 31 of 1,450,472 alleles (0.0021%); highest among the groups gnomAD compares: Non-Finnish European, 0.0027%; no homozygotes.

Submissions (2):

Labcorp Genetics (formerly Invitae), Labcorp
Classification: Uncertain significance. Last evaluated: 2024-11-13. Review status: criteria provided, single submitter. Criteria: Invitae Variant Classification Sherloc (09022015). Collection method: clinical testing. Allele origin: germline.
Comment: This sequence change replaces glycine, which is neutral and non-polar, with serine, which is neutral and polar, at codon 486 of the TONSL protein (p.Gly486Ser). This variant is present in population databases (rs565607454, gnomAD 0.004%). This variant has not been reported in the literature in individuals affected with TONSL-related conditions. ClinVar contains an entry for this variant (Variation ID: 2177849). Invitae Evidence Modeling of protein sequence and biophysical properties (such as structural, functional, and spatial information, amino acid conservation, physicochemical variation, residue mobility, and thermodynamic stability) indicates that this missense variant is not expected to disrupt TONSL protein function with a negative predictive value of 80%. In summary, the available evidence is currently insufficient to determine the role of this variant in disease. Therefore, it has been classified as a Variant of Uncertain Significance.

Ambry Genetics
Classification: Likely benign for Inborn genetic diseases. Last evaluated: 2021-07-06. Review status: criteria provided, single submitter. Criteria: Ambry Variant Classification Scheme 2023. Collection method: clinical testing. Allele origin: germline.